The following is an entry in ClinVar:

ClinVar aggregate classification (germline): Conflicting classifications of pathogenicity. Review status: criteria provided, conflicting classifications (1 of 4 stars). 13 submissions from 13 submitters: Uncertain significance (12); Likely benign (1). Last evaluated 2026-05-06.

Conditions:
Cardiovascular phenotype. Identifiers: MedGen CN230736.
MYBPC3-related disorder. Also called: MYBPC3-related disorders; MYBPC3-related condition; MYBPC3-related disease.
Cardiomyopathy (CMYO). Also called: Cardiomyopathies. Identifiers: Orphanet 167848, MedGen C0878544, MONDO:0004994, HP:0001638. Inheritance: Various modes of inheritance.
Hypertrophic cardiomyopathy. Also called: HYPERTROPHIC MYOCARDIOPATHY. Identifiers: Orphanet 217569, MedGen C0007194, MeSH D002312, MONDO:0005045, HP:0001639.

Allele frequency attached by ClinVar (database versions not stated): ESP Exome Variant Server 0.00008; gnomAD 0.00009 and 0.00010; TOPMed 0.00023.

Submissions (13):

PreventionGenetics, part of Exact Sciences
Classification: Uncertain significance for MYBPC3-related condition. Last evaluated: 2026-05-06. Review status: criteria provided, single submitter. Criteria: ACMG Guidelines, 2015. Collection method: clinical testing. Allele origin: germline.
Comment: The MYBPC3 c.50G>A variant is predicted to result in the amino acid substitution p.Arg17Gln. This variant has been reported in multiple individuals with hypertrophic cardiomyopathy or dilated cardiomyopathy, but has also been seen in unaffected individuals (García-Castro et al. 2009. PubMed ID: 19150014; Dias et al. 2021. PubMed ID: 34555931; Table S5, Viswanathan et al. 2017. PubMed ID: 29121657; Sousa et al. 2019. PubMed ID: 30871747; Table S8, McGurk et al. 2023. PubMed ID: 37652022). This variant was also identified in affected individuals who carried a pathogenic MYH7 variant that could explain the phenotype (Dias et al. 2021. PubMed ID: 34555931). This variant is reported in 0.030% of alleles in individuals of Latino descent in gnomAD and is interpreted as uncertain significance in ClinVar. At this time, the clinical significance of this variant is uncertain due to the absence of conclusive functional and genetic evidence.

Dasa
Classification: Likely benign. Last evaluated: 2026-04-20. Review status: criteria provided, single submitter. Criteria: DASA Assertion Criteria. Collection method: clinical testing. Allele origin: germline.
Comment: NM_000256.3(MYBPC3):c.50G>A (p.Arg17Gln) is a missense variant that results in the substitution of arginine with glutamine. Population frequency is inconsistent with a disease-causing role for this variant. Computational prediction algorithms are consistent with a benign effect. Therefore, based on the currently available evidence, this variant is classified as likely benign.

Ambry Genetics
Classification: Uncertain significance for Cardiovascular phenotype. Last evaluated: 2026-03-10. Review status: criteria provided, single submitter. Criteria: Ambry Variant Classification Scheme 2023. Collection method: clinical testing. Allele origin: germline.
Comment: The c.50G>A (p.R17Q) alteration is located in exon 2 (coding exon 2) of the MYBPC3 gene. This alteration results from a G to A substitution at nucleotide position 50, causing the arginine (R) at amino acid position 17 to be replaced by a glutamine (Q). Based on data from gnomAD, the A allele has an overall frequency of 0.009% (20/235814) total alleles studied. The highest observed frequency was 0.03% (10/33652) of Latino alleles. Based on insufficient or conflicting evidence, the clinical significance of this alteration remains unclear.

Labcorp Genetics (formerly Invitae), Labcorp
Classification: Uncertain significance for Hypertrophic cardiomyopathy. Last evaluated: 2026-01-04. Review status: criteria provided, single submitter. Criteria: Invitae Variant Classification Sherloc (09022015). Collection method: clinical testing. Allele origin: germline.
Comment: This sequence change replaces arginine, which is basic and polar, with glutamine, which is neutral and polar, at codon 17 of the MYBPC3 protein (p.Arg17Gln). This variant is present in population databases (rs374630007, gnomAD 0.03%). This missense change has been observed in individuals with dilated cardiomyopathy and/or hypertrophic cardiomyopathy (PMID: 25342278, 29121657, 30871747, 37652022; internal data). ClinVar contains an entry for this variant (Variation ID: 164160). An algorithm developed to predict the effect of missense changes on protein structure and function (PolyPhen-2) suggests that this variant is likely to be disruptive. In summary, the available evidence is currently insufficient to determine the role of this variant in disease. Therefore, it has been classified as a Variant of Uncertain Significance.

Revvity Omics, Revvity
Classification: Uncertain significance. Last evaluated: 2025-04-23. Review status: criteria provided, single submitter. Criteria: ACMG Guidelines, 2015. Collection method: clinical testing. Allele origin: germline.

Molecular Diagnostic Laboratory for Inherited Cardiovascular Disease, Montreal Heart Institute
Classification: Uncertain significance for Cardiovascular phenotype. Last evaluated: 2025-04-09. Review status: criteria provided, single submitter. Criteria: ACMG Guidelines, 2015. Collection method: clinical testing. Allele origin: germline. Affected: yes.

Women's Health and Genetics/Laboratory Corporation of America, LabCorp
Classification: Uncertain significance. Last evaluated: 2024-11-29. Review status: criteria provided, single submitter. Criteria: LabCorp Variant Classification Summary - May 2015. Collection method: clinical testing. Allele origin: germline.
Comment: Variant summary: MYBPC3 c.50G>A (p.Arg17Gln) results in a conservative amino acid change located in the Immunoglobulin subtype (IPR003599) of the encoded protein sequence. Four of four in-silico tools predict a benign effect of the variant on protein function. The variant allele was found at a frequency of 8.5e-05 in 235814 control chromosomes. The observed variant frequency is approximately 3-fold of the estimated maximal expected allele frequency for a pathogenic variant in MYBPC3 causing Dilated Cardiomyopathy phenotype (3.1e-05), strongly suggesting that the variant is benign. c.50G>A has been reported in the literature in individuals affected with Cardiomyopathy, however not all the information was provided for further analysis (example, McGurk_2023, Ochoa_2018, Pottinger_2020, Viswanathan_2018). These report(s) do not provide unequivocal conclusions about association of the variant with Dilated Cardiomyopathy. To our knowledge, no experimental evidence demonstrating an impact on protein function has been reported. The following publications have been ascertained in the context of this evaluation (PMID: 37652022, 30442288, 32009526, 29121657). ClinVar contains an entry for this variant (Variation ID: 164160). Based on the evidence outlined above, the variant was classified as VUS-possibly benign.

All of Us Research Program, National Institutes of Health
Classification: Uncertain significance for Hypertrophic cardiomyopathy. Last evaluated: 2024-08-06. Review status: criteria provided, single submitter. Criteria: ACMG Guidelines, 2015. Collection method: clinical testing. Allele origin: germline. Inheritance: Autosomal dominant inheritance. Observed: 41 variant alleles, 41 heterozygotes.
Comment: This missense variant replaces arginine with glutamine at codon 17 of the MYBPC3 protein. Computational prediction suggests that this variant may not impact protein structure and function (internally defined REVEL score threshold <= 0.5, PMID: 27666373). To our knowledge, functional studies have not been reported for this variant. This variant has been reported in over ten individuals affected with hypertrophic cardiomyopathy (PMID: 19150014, 25342278, 28356264, 28771489, 29121657, 30442288, 34555931), in one individual with dilated cardiomyopathy (PMID: 30871747), and in two related individuals who were reported to be normal (PMID: 34555931). One of the affected probands also carried a pathogenic variant in the MYH7 gene that could explain the observed phenotype (PMID: 34555931). This variant has also been identified in 20/235814 chromosomes (10/33652 Latino chromosomes, 0.0297%) in the general population by the Genome Aggregation Database (gnomAD). In summary, this variant has been observed in affected individuals and has also been observed at an elevated allele frequency in the general population. The available evidence is insufficient to determine the role of this variant in disease conclusively. Therefore, this variant is classified as a Variant of Uncertain Significance.

This study involves interpretation of variants in research participants for the purpose of population health screening. Participant phenotype was not available at the time of variant classification. Additional details can be found in publication PMID: 35346344, PMCID: PMC8962531

GeneDx
Classification: Uncertain significance. Last evaluated: 2024-03-19. Review status: criteria provided, single submitter. Criteria: GeneDx Variant Classification Process June 2021. Collection method: clinical testing. Allele origin: germline. Affected: yes.
Comment: Identified in patients with cardiomyopathy in published literature; several patients harbored additional cardiogenetic variants (PMID: 19150014, 28356264, 29121657, 28771489, 28679633, 30442288, 30871747, 32009526, 34555931, 37652022); In silico analysis supports that this missense variant does not alter protein structure/function; This variant is associated with the following publications: (PMID: 25342278, 19150014, 28356264, 29121657, 28771489, 28679633, 30442288, 30871747, 32009526, 34555931, 37652022)

Color Diagnostics, LLC DBA Color Health
Classification: Uncertain significance for Cardiomyopathy. Last evaluated: 2023-10-13. Review status: criteria provided, single submitter. Criteria: ACMG Guidelines, 2015. Collection method: clinical testing. Allele origin: germline.
Comment: This missense variant replaces arginine with glutamine at codon 17 of the MYBPC3 protein. Computational prediction suggests that this variant may not impact protein structure and function (internally defined REVEL score threshold <= 0.5, PMID: 27666373). To our knowledge, functional studies have not been reported for this variant. This variant has been reported in over ten individuals affected with hypertrophic cardiomyopathy (PMID: 19150014, 25342278, 28356264, 28771489, 29121657, 30442288, 34555931), in one individual with dilated cardiomyopathy (PMID: 30871747), and in two related individuals who were reported to be normal (PMID: 34555931). One of the affected probands also carried a pathogenic variant in the MYH7 gene that could explain the observed phenotype (PMID: 34555931). This variant has also been identified in 20/235814 chromosomes (10/33652 Latino chromosomes, 0.0297%) in the general population by the Genome Aggregation Database (gnomAD). In summary, this variant has been observed in affected individuals and has also been observed at an elevated allele frequency in the general population. The available evidence is insufficient to determine the role of this variant in disease conclusively. Therefore, this variant is classified as a Variant of Uncertain Significance.

CHEO Genetics Diagnostic Laboratory, Children's Hospital of Eastern Ontario
Classification: Uncertain significance for Cardiomyopathy. Last evaluated: 2021-08-17. Review status: criteria provided, single submitter. Criteria: ACMG Guidelines, 2015. Collection method: clinical testing. Allele origin: germline.

Mayo Clinic Laboratories, Mayo Clinic
Classification: Uncertain significance. Last evaluated: 2020-07-10. Review status: criteria provided, single submitter. Criteria: ACMG Guidelines, 2015. Collection method: clinical testing. Allele origin: germline. Observed: 1 variant allele.

Laboratory for Molecular Medicine, Mass General Brigham Personalized Medicine
Classification: Uncertain significance. Last evaluated: 2013-05-01. Review status: criteria provided, single submitter. Criteria: LMM Criteria. Collection method: clinical testing. Allele origin: germline. Observed: 1 variant allele.
Comment: The Arg17Gln variant in MYBPC3 has not been reported in individuals with cardiom yopathy, but has been identified in 1/8408 European American chromosomes by the NHLBI Exome Sequencing Project. The affected amino acid is not well conserved in evolution, suggesting that a change may be tolerated. Other computational analyses (biochemical amino acid properties, Alig nGVGD, PolyPhen2, and SIFT) do not provide strong support for or against an impa ct to the protein. At this time, additional information is needed to fully asses s the clinical significance of this variant.

Literature cited by the submitters: PubMed 25342278 (cited by 3 submitters); PubMed 29121657 (cited by 4 submitters); PubMed 30871747 (cited by 3 submitters); PubMed 37652022 (cited by Labcorp Genetics (formerly Invitae), Labcorp and Women's Health and Genetics/Laboratory Corporation of America, LabCorp); PubMed 32009526 (cited by Women's Health and Genetics/Laboratory Corporation of America, LabCorp); PubMed 30442288 (cited by 3 submitters); PubMed 19150014 (cited by All of Us Research Program, National Institutes of Health and Color Diagnostics, LLC DBA Color Health); PubMed 28356264 (cited by All of Us Research Program, National Institutes of Health and Color Diagnostics, LLC DBA Color Health); PubMed 28771489 (cited by All of Us Research Program, National Institutes of Health and Color Diagnostics, LLC DBA Color Health); PubMed 34555931 (cited by All of Us Research Program, National Institutes of Health and Color Diagnostics, LLC DBA Color Health).

NM_000256.3(MYBPC3):c.50G>A (p.Arg17Gln)

Gene: MYBPC3 (myosin binding protein C3; minus strand). Cytogenetic location: 11p11.2.
Variant type: single nucleotide variant.
Coding change: c.50G>A on transcript NM_000256.3 (MANE Select); coding-DNA position 50, G replaced by A.
Protein change: p.Arg17Gln; replaces arginine 17 with glutamine.
Molecular consequence: missense variant.
Genome position (GRCh38, 1-based): chr11:47,351,481, C>T on the plus strand (G>A on the coding strand, the complement: MYBPC3 is on the minus strand). VCF-style: chr11-47351481-C-T. GRCh37 (hg19) VCF-style: chr11-47373032-C-T.
Other names: p.R17Q:CGG>CAG; short protein forms R17Q.
Identifiers: ClinVar variation 164160 (VCV000164160.38), dbSNP rs374630007, ClinGen allele CA015360.